The following is an entry in ClinVar:

NM_000827.4(GRIA1):c.1122C>T (p.Asp374=)

Gene: GRIA1 (glutamate ionotropic receptor AMPA type subunit 1; plus strand). Cytogenetic location: 5q33.2.
Variant type: single nucleotide variant.
Coding change: c.1122C>T on transcript NM_000827.4 (MANE Select); coding-DNA position 1122, C replaced by T.
Protein change: p.Asp374=; no amino-acid change (aspartic acid 374 retained).
Molecular consequence: synonymous variant. On other transcripts: non-coding transcript variant (2).
Genome position (GRCh38, 1-based): chr5:153,686,317, C>T. VCF-style: chr5-153686317-C-T. GRCh37 (hg19) VCF-style: chr5-153065877-C-T.
Other names: c.1122C>T, p.Asp374= (NM_001114183.2); c.882C>T, p.Asp294= (NM_001258019.2); c.837C>T, p.Asp279= (NM_001258020.2); c.1152C>T, p.Asp384= (NM_001258021.2, NM_001258022.2); c.915C>T, p.Asp305= (NM_001258023.1, NM_001364167.2); c.954C>T, p.Asp318= (NM_001364165.2); c.1149C>T, p.Asp383= (NM_001364166.2).
Identifiers: ClinVar variation 3038646 (VCV003038646.2), dbSNP rs140876127, ClinGen allele CA3524518.

ClinVar aggregate classification (germline): Likely benign (0 of 4 stars; one submission).

Conditions:
GRIA1-related disorder. Also called: GRIA1-related condition.

Allele frequency attached by ClinVar (database versions not stated): TOPMed 0.00002; gnomAD 0.00003; ExAC 0.00004; gnomAD exomes 0.00004; ESP Exome Variant Server 0.00008; 1000 Genomes Project 30x 0.00016; 1000 Genomes Project 0.00020.
gnomAD v4.1: 66 of 1,612,790 alleles (0.0041%); highest among the groups gnomAD compares: East Asian, 0.1%; no homozygotes.

Submission:

PreventionGenetics, part of Exact Sciences
Classification: Likely benign for GRIA1-related condition. Last evaluated: 2019-05-24. Review status: no assertion criteria provided. Collection method: clinical testing. Allele origin: germline.
Comment: This variant is classified as likely benign based on ACMG/AMP sequence variant interpretation guidelines (Richards et al. 2015 PMID: 25741868, with internal and published modifications).